The following is an entry in ClinVar:

ClinVar aggregate classification (germline): Uncertain significance. Review status: criteria provided, single submitter (1 of 4 stars). 2 submissions from 2 submitters: Uncertain significance (1). 1 of the submissions does not count toward it. Last evaluated 2025-11-26.

Conditions:
ADAMTS19-related disorder. Also called: ADAMTS19-related condition.
Inborn genetic diseases. Identifiers: MedGen C0950123, MeSH D030342.

Allele frequency attached by ClinVar (database versions not stated): 1000 Genomes Project 30x 0.00047; ESP Exome Variant Server 0.00008; 1000 Genomes Project 0.00060.
gnomAD v4.1: 163 of 1,568,180 alleles (0.01%); highest among the groups gnomAD compares: East Asian, 0.15%; 2 homozygotes.

Submissions (2):

Ambry Genetics
Classification: Uncertain significance for Inborn genetic diseases. Last evaluated: 2025-11-26. Review status: criteria provided, single submitter. Criteria: Ambry Variant Classification Scheme 2023. Collection method: clinical testing. Allele origin: germline.

PreventionGenetics, part of Exact Sciences
Classification: Likely benign for ADAMTS19-related condition. Last evaluated: 2023-07-29. Review status: no assertion criteria provided. Collection method: clinical testing. Allele origin: germline. Not counted in ClinVar's aggregate classification.
Comment: This variant is classified as likely benign based on ACMG/AMP sequence variant interpretation guidelines (Richards et al. 2015 PMID: 25741868, with internal and published modifications).

NM_133638.6(ADAMTS19):c.568G>A (p.Gly190Ser)

Gene: ADAMTS19 (ADAM metallopeptidase with thrombospondin type 1 motif 19; plus strand). Cytogenetic location: 5q23.3.
Variant type: single nucleotide variant.
Coding change: c.568G>A on transcript NM_133638.6 (MANE Select); coding-DNA position 568, G replaced by A.
Protein change: p.Gly190Ser; replaces glycine 190 with serine.
Molecular consequence: missense variant.
Genome position (GRCh38, 1-based): chr5:129,461,578, G>A. VCF-style: chr5-129461578-G-A. GRCh37 (hg19) VCF-style: chr5-128797271-G-A.
Other names: c.550G>A (NM_133638.3); short protein forms G190S.
Identifiers: ClinVar variation 3041049 (VCV003041049.3), dbSNP rs201159584, ClinGen allele CA3397197.